The following is an entry in ClinVar:

ClinVar aggregate classification (germline): Likely benign (1 of 4 stars; one submission).

Submission:

CeGaT Center for Human Genetics Tuebingen
Classification: Likely benign. Last evaluated: 2026-02-01. Review status: criteria provided, single submitter. Criteria: CeGaT Center For Human Genetics Tuebingen Variant Classification Criteria Version 2. Collection method: clinical testing. Allele origin: germline. Affected: yes. Observed: 1 variant allele.
Comment: MDC1: BP4, BP7

NM_014641.3(MDC1):c.3651A>G (p.Arg1217=)

Genes: MDC1 (mediator of DNA damage checkpoint 1; minus strand), MDC1-AS1 (MDC1 antisense RNA 1; plus strand). Cytogenetic location: 6p21.33.
Variant type: single nucleotide variant.
Coding change: c.3651A>G on transcript NM_014641.3 (MANE Select); coding-DNA position 3651, A replaced by G.
Protein change: p.Arg1217=; no amino-acid change (arginine 1217 retained).
Molecular consequence: synonymous variant.
Genome position (GRCh38, 1-based): chr6:30,705,532, T>C on the plus strand (A>G on the coding strand, the complement: MDC1 is on the minus strand). VCF-style: chr6-30705532-T-C. GRCh37 (hg19) VCF-style: chr6-30673309-T-C.
Identifiers: ClinVar variation 4821721 (VCV004821721.4).